The following is an entry in ClinVar:

ClinVar aggregate classification (germline): Likely pathogenic (1 of 4 stars; one submission).

Conditions:
RYR1-related disorder. Also called: RYR1-related disorders; RYR1-related condition. Identifiers: MedGen CN239331.

Submission:

Labcorp Genetics (formerly Invitae), Labcorp
Classification: Likely pathogenic for RYR1-related disorder. Last evaluated: 2023-08-17. Review status: criteria provided, single submitter. Criteria: Invitae Variant Classification Sherloc (09022015). Collection method: clinical testing. Allele origin: unknown.
Comment: In summary, the currently available evidence indicates that the variant is pathogenic, but additional data are needed to prove that conclusively. Therefore, this variant has been classified as Likely Pathogenic. This variant has not been reported in the literature in individuals affected with RYR1-related conditions. This variant results in a copy number gain of the genomic region encompassing exon(s) 88 of the RYR1 gene. While the exact position of this variant cannot be determined from the data, sub-genic copy number gains are generally in tandem (PMID: 25640679). This variant is predicted to be out-of-frame, and may result in an absent or disrupted protein product. Loss-of-function variants in RYR1 are known to be pathogenic (PMID: 23919265, 25960145, 28818389, 30611313).

Literature cited by the submitters: PubMed 25640679; PubMed 23919265; PubMed 25960145; PubMed 28818389; PubMed 30611313.

NC_000019.9:g.(?_39037065)_(39037186_?)dup

Gene: RYR1 (ryanodine receptor 1; plus strand). Cytogenetic location: 19q13.2.
Variant type: Duplication.
Identifiers: ClinVar variation 3242622 (VCV003242622.1).